The following is an entry in ClinVar:

ClinVar aggregate classification (germline): Uncertain significance (1 of 4 stars; one submission).

Submission:

Labcorp Genetics (formerly Invitae), Labcorp
Classification: Uncertain significance. Last evaluated: 2023-07-06. Review status: criteria provided, single submitter. Criteria: Invitae Variant Classification Sherloc (09022015). Collection method: clinical testing. Allele origin: germline.
Comment: This sequence change replaces lysine, which is basic and polar, with arginine, which is basic and polar, at codon 449 of the VCAN protein (p.Lys449Arg). This variant is not present in population databases (gnomAD no frequency). This variant has not been reported in the literature in individuals affected with VCAN-related conditions. Algorithms developed to predict the effect of missense changes on protein structure and function output the following: SIFT: "Not Available"; PolyPhen-2: "Benign"; Align-GVGD: "Not Available". The arginine amino acid residue is found in multiple mammalian species, which suggests that this missense change does not adversely affect protein function. In summary, the available evidence is currently insufficient to determine the role of this variant in disease. Therefore, it has been classified as a Variant of Uncertain Significance.

NM_004385.5(VCAN):c.1346A>G (p.Lys449Arg)

Gene: VCAN (versican; plus strand). Cytogenetic location: 5q14.3.
Variant type: single nucleotide variant.
Coding change: c.1346A>G on transcript NM_004385.5 (MANE Select); coding-DNA position 1346, A replaced by G.
Protein change: p.Lys449Arg; replaces lysine 449 with arginine.
Molecular consequence: missense variant. On other transcripts: intron variant (2).
Genome position (GRCh38, 1-based): chr5:83,519,652, A>G. VCF-style: chr5-83519652-A-G. GRCh37 (hg19) VCF-style: chr5-82815471-A-G.
Other names: c.1346A>G, p.Lys449Arg (NM_001164098.2); c.1042+7256A>G (NM_001164097.2, NM_001126336.3); short protein forms K449R.
Identifiers: ClinVar variation 2736426 (VCV002736426.3), dbSNP rs1355527491, ClinGen allele CA360299915.